The following is an entry in ClinVar:

ClinVar aggregate classification (germline): Uncertain significance (1 of 4 stars; one submission).

gnomAD v4.1: 9 of 1,613,980 alleles (0.00056%); highest among the groups gnomAD compares: Middle Eastern, 0.016%; no homozygotes.

Submission:

Labcorp Genetics (formerly Invitae), Labcorp
Classification: Uncertain significance. Last evaluated: 2024-04-03. Review status: criteria provided, single submitter. Criteria: Invitae Variant Classification Sherloc (09022015). Collection method: clinical testing. Allele origin: germline.
Comment: This sequence change replaces aspartic acid, which is acidic and polar, with asparagine, which is neutral and polar, at codon 110 of the GUCA1A protein (p.Asp110Asn). This variant is present in population databases (rs768402891, gnomAD 0.004%). This variant has not been reported in the literature in individuals affected with GUCA1A-related conditions. An algorithm developed to predict the effect of missense changes on protein structure and function (PolyPhen-2) suggests that this variant is likely to be tolerated. In summary, the available evidence is currently insufficient to determine the role of this variant in disease. Therefore, it has been classified as a Variant of Uncertain Significance.

NM_001384910.1(GUCA1A):c.328G>A (p.Asp110Asn)

Genes: GUCA1A (guanylate cyclase activator 1A; plus strand), GUCA1ANB-GUCA1A (GUCA1ANB-GUCA1A readthrough; plus strand). Cytogenetic location: 6p21.1.
Variant type: single nucleotide variant.
Coding change: c.328G>A on transcript NM_001384910.1 (MANE Select); coding-DNA position 328, G replaced by A.
Protein change: p.Asp110Asn; replaces aspartic acid 110 with asparagine.
Molecular consequence: missense variant.
Genome position (GRCh38, 1-based): chr6:42,178,406, G>A. VCF-style: chr6-42178406-G-A. GRCh37 (hg19) VCF-style: chr6-42146144-G-A.
Other names: c.328G>A, p.Asp110Asn (NM_000409.5, NM_001319061.2, NM_001319062.2); short protein forms D110N.
Identifiers: ClinVar variation 3621385 (VCV003621385.2).